The following is an entry in ClinVar:

ClinVar aggregate classification (germline): Uncertain significance (1 of 4 stars; one submission).

Conditions:
Cataract 13 with adult I phenotype. Identifiers: Orphanet 91492, MedGen C3805373, MONDO:0007289, OMIM 116700.

gnomAD v4.1: 2 of 1,612,938 alleles (0.00012%); highest among the groups gnomAD compares: Non-Finnish European, 0.00017%; no homozygotes.

Submission:

Juno Genomics, Hangzhou Juno Genomics, Inc
Classification: Uncertain significance for Cataract 13 with adult I phenotype. Review status: criteria provided, single submitter. Criteria: ACMG Guidelines, 2015. Collection method: clinical testing. Allele origin: germline.
Comment: Absent from controls (or at extremely low frequency if recessive) in Genome Aggregation Database.

NM_145649.5(GCNT2):c.1119C>A (p.Tyr373Ter)

Gene: GCNT2 (glucosaminyl (N-acetyl) transferase 2 (I blood group); plus strand). Cytogenetic location: 6p24.2.
Variant type: single nucleotide variant.
Coding change: c.1119C>A on transcript NM_145649.5 (MANE Select); coding-DNA position 1119, C replaced by A.
Protein change: p.Tyr373Ter; replaces tyrosine 373 with a stop codon.
Molecular consequence: nonsense.
Genome position (GRCh38, 1-based): chr6:10,626,517, C>A. VCF-style: chr6-10626517-C-A. GRCh37 (hg19) VCF-style: chr6-10626750-C-A.
Other names: c.1119C>A, p.Tyr373Ter (NM_001374747.1, NM_145655.4); c.1113C>A, p.Tyr371Ter (NM_001491.3); short protein forms Y373*, Y371*.
Identifiers: ClinVar variation 5006947 (VCV005006947.2).
Genomic context (GRCh38, chr6:10,626,517, plus strand): 5'-CTTAAAGTGGCTGGTTAATTCACCAAGCCTGTTTGCTAACAAGTTTGAGCTTAATACCTA[C>A]CCCCTTACTGTGGAATGCCTAGAACTGAGGCATCGCGAAAGAACCCTCAATCAGAGTGAA-3'